The following is an entry in ClinVar:

ClinVar aggregate classification (germline): Uncertain significance. Review status: criteria provided, multiple submitters, no conflicts (2 of 4 stars). 2 submissions from 2 submitters: Uncertain significance (2). Last evaluated 2025-02-03.

Conditions:
Hereditary cancer-predisposing syndrome. Also called: Hereditary neoplastic syndrome; Tumor predisposition; Neoplastic Syndromes, Hereditary; Hereditary Cancer Syndrome. Identifiers: Orphanet 140162, MedGen C0027672, MeSH D009386, MONDO:0015356.
DICER1-related tumor predisposition. Also called: DICER1 syndrome; DICER1-related pleuropulmonary blastoma cancer predisposition syndrome. Identifiers: Orphanet 284343, MedGen C3839822, MONDO:0100216.

Submissions (2):

Labcorp Genetics (formerly Invitae), Labcorp
Classification: Uncertain significance for DICER1-related tumor predisposition. Last evaluated: 2025-02-03. Review status: criteria provided, single submitter. Criteria: Invitae Variant Classification Sherloc (09022015). Collection method: clinical testing. Allele origin: germline.
Comment: This sequence change replaces alanine, which is neutral and non-polar, with proline, which is neutral and non-polar, at codon 1137 of the DICER1 protein (p.Ala1137Pro). This variant is not present in population databases (gnomAD no frequency). This variant has not been reported in the literature in individuals affected with DICER1-related conditions. ClinVar contains an entry for this variant (Variation ID: 2451729). Invitae Evidence Modeling of protein sequence and biophysical properties (such as structural, functional, and spatial information, amino acid conservation, physicochemical variation, residue mobility, and thermodynamic stability) indicates that this missense variant is not expected to disrupt DICER1 protein function with a negative predictive value of 95%. In summary, the available evidence is currently insufficient to determine the role of this variant in disease. Therefore, it has been classified as a Variant of Uncertain Significance.

Ambry Genetics
Classification: Uncertain significance for Hereditary cancer-predisposing syndrome. Last evaluated: 2023-02-15. Review status: criteria provided, single submitter. Criteria: Ambry Variant Classification Scheme 2023. Collection method: clinical testing. Allele origin: germline.
Comment: The p.A1137P variant (also known as c.3409G>C), located in coding exon 20 of the DICER1 gene, results from a G to C substitution at nucleotide position 3409. The alanine at codon 1137 is replaced by proline, an amino acid with highly similar properties. This amino acid position is conserved. In addition, the in silico prediction for this alteration is inconclusive. Since supporting evidence is limited at this time, the clinical significance of this alteration remains unclear.

NM_177438.3(DICER1):c.3409G>C (p.Ala1137Pro)

Gene: DICER1 (dicer 1, ribonuclease III; minus strand). Cytogenetic location: 14q32.13.
Variant type: single nucleotide variant.
Coding change: c.3409G>C on transcript NM_177438.3 (MANE Select); coding-DNA position 3409, G replaced by C.
Protein change: p.Ala1137Pro; replaces alanine 1137 with proline.
Molecular consequence: missense variant. On other transcripts: non-coding transcript variant (6).
Genome position (GRCh38, 1-based): chr14:95,103,987, C>G on the plus strand (G>C on the coding strand, the complement: DICER1 is on the minus strand). VCF-style: chr14-95103987-C-G. GRCh37 (hg19) VCF-style: chr14-95570324-C-G.
Other names: c.3409G>C, p.Ala1137Pro (NM_001195573.1, NM_001271282.3, NM_001291628.2 and 13 more transcripts); c.3127G>C, p.Ala1043Pro (NM_001395686.1); c.3004G>C, p.Ala1002Pro (NM_001395687.1, NM_001395688.1, NM_001395689.1 and 2 more transcripts); c.2842G>C, p.Ala948Pro (NM_001395691.1); c.1726G>C, p.Ala576Pro (NM_001395697.1); short protein forms A1002P, A576P, A948P, A1043P, A1137P.
Identifiers: ClinVar variation 2451729 (VCV002451729.4), dbSNP rs1891172275, ClinGen allele CA390875559.